The following is an entry in ClinVar:

NC_000003.11:g.(?_52436298)_(52443900_?)dup

Gene: BAP1 (BRCA1 associated deubiquitinase 1; minus strand). Cytogenetic location: 3p21.1.
Variant type: Duplication.
Identifiers: ClinVar variation 539946 (VCV000539946.1).

ClinVar aggregate classification (germline): Uncertain significance (1 of 4 stars; one submission).

Conditions:
BAP1-related tumor predisposition syndrome (TPDS1). Also called: Tumor susceptibility linked to germline BAP1 mutations; COMMON Syndrome; TUMOR PREDISPOSITION SYNDROME 1; BAP1 tumor predisposition syndrome. Identifiers: Orphanet 289539, MedGen C3280492, MONDO:0013692, OMIM 614327.

Submission:

Labcorp Genetics (formerly Invitae), Labcorp
Classification: Uncertain significance for BAP1-related tumor predisposition syndrome. Last evaluated: 2017-10-02. Review status: criteria provided, single submitter. Criteria: Invitae Variant Classification Sherloc (09022015). Collection method: clinical testing. Allele origin: germline.
Comment: A gross duplication of the genomic region encompassing the full coding sequence of the BAP1 gene has been identified. The boundaries of this event are unknown as the duplication extends beyond the assayed region for this gene and therefore may encompass additional genes. As the precise location of this duplication is unknown, it may be in tandem or it may be located elsewhere in the genome. This variant has not been reported in the literature in individuals with BAP1-related disease. In summary, the available evidence is currently insufficient to determine the role of this variant in disease. Therefore, it has been classified as a Variant of Uncertain Significance.